The following is an entry in ClinVar:

NM_033409.4(SLC52A3):c.241G>A (p.Val81Met)

Gene: SLC52A3 (solute carrier family 52 member 3; minus strand). Cytogenetic location: 20p13.
Variant type: single nucleotide variant.
Coding change: c.241G>A on transcript NM_033409.4 (MANE Select); coding-DNA position 241, G replaced by A.
Protein change: p.Val81Met; replaces valine 81 with methionine.
Molecular consequence: missense variant.
Genome position (GRCh38, 1-based): chr20:765,534, C>T on the plus strand (G>A on the coding strand, the complement: SLC52A3 is on the minus strand). VCF-style: chr20-765534-C-T. GRCh37 (hg19) VCF-style: chr20-746178-C-T.
Other names: c.241G>A, p.Val81Met (NM_001370085.1, NM_001370086.1); short protein forms V81M.
Identifiers: ClinVar variation 543066 (VCV000543066.17), dbSNP rs546240059, ClinGen allele CA9724814.

ClinVar aggregate classification (germline): Likely benign. Review status: criteria provided, multiple submitters, no conflicts (2 of 4 stars). 4 submissions from 4 submitters: Likely benign (3). 1 of the submissions does not count toward it. Last evaluated 2026-01-20.

Conditions:
Inborn genetic diseases. Identifiers: MedGen C0950123, MeSH D030342.
Brown-Vialetto-van Laere syndrome 1. Also called: BROWN-VIALETTO-VAN LAERE SYNDROME 1, MILD; PONTOBULBAR PALSY WITH DEAFNESS; BULBAR PALSY, PROGRESSIVE, WITH SENSORINEURAL DEAFNESS. Identifiers: Orphanet 572550, Orphanet 97229, MedGen C0796274, MONDO:0024537, OMIM 211530.
SLC52A3-related disorder. Also called: SLC52A3-related condition.

Allele frequency attached by ClinVar (database versions not stated): 1000 Genomes Project 0.00160; gnomAD 0.00001 and 0.00015; 1000 Genomes Project 30x 0.00141; TOPMed 0.00005; gnomAD exomes 0.00094; ExAC 0.00187.
gnomAD v4.1: 563 of 1,575,926 alleles (0.036%); highest among the groups gnomAD compares: South Asian, 0.61%; 4 homozygotes.

Submissions (4):

Labcorp Genetics (formerly Invitae), Labcorp
Classification: Likely benign for Brown-Vialetto-van Laere syndrome 1. Last evaluated: 2026-01-20. Review status: criteria provided, single submitter. Criteria: Invitae Variant Classification Sherloc (09022015). Collection method: clinical testing. Allele origin: germline.

Blueprint Genetics
Classification: Likely benign. Last evaluated: 2023-10-31. Review status: criteria provided, single submitter. Criteria: ACMG Guidelines, 2015. Collection method: clinical testing. Allele origin: germline.

Ambry Genetics
Classification: Likely benign for Inborn genetic diseases. Last evaluated: 2020-02-24. Review status: criteria provided, single submitter. Criteria: Ambry Variant Classification Scheme 2023. Collection method: clinical testing. Allele origin: germline.

PreventionGenetics, part of Exact Sciences
Classification: Likely benign for SLC52A3-related condition. Last evaluated: 2019-08-14. Review status: no assertion criteria provided. Collection method: clinical testing. Allele origin: germline. Not counted in ClinVar's aggregate classification.
Comment: This variant is classified as likely benign based on ACMG/AMP sequence variant interpretation guidelines (Richards et al. 2015 PMID: 25741868, with internal and published modifications).